The following is an entry in ClinVar:

NM_018684.4(ZC4H2):c.602C>T (p.Pro201Leu)

Gene: ZC4H2 (zinc finger C4H2-type containing; minus strand). Cytogenetic location: Xq11.2.
Variant type: single nucleotide variant.
Coding change: c.602C>T on transcript NM_018684.4 (MANE Select); coding-DNA position 602, C replaced by T.
Protein change: p.Pro201Leu; replaces proline 201 with leucine.
Molecular consequence: missense variant. On other transcripts: synonymous variant (1), non-coding transcript variant (1).
Genome position (GRCh38, 1-based): chrX:64,917,856, G>A on the plus strand (C>T on the coding strand, the complement: ZC4H2 is on the minus strand). VCF-style: chrX-64917856-G-A. GRCh37 (hg19) VCF-style: chrX-64137736-G-A.
Other names: c.533C>T, p.Pro178Leu (NM_001178032.3, NM_001243804.2); c.439C>T, p.Leu147= (NM_001178033.3); short protein forms P201L, P178L.
Identifiers: ClinVar variation 4710853 (VCV004710853.1).

ClinVar aggregate classification (germline): Likely pathogenic (1 of 4 stars; one submission).

Submission:

Labcorp Genetics (formerly Invitae), Labcorp
Classification: Likely pathogenic. Last evaluated: 2025-12-09. Review status: criteria provided, single submitter. Criteria: Invitae Variant Classification Sherloc (09022015). Collection method: clinical testing. Allele origin: germline.
Comment: This sequence change replaces proline, which is neutral and non-polar, with leucine, which is neutral and non-polar, at codon 201 of the ZC4H2 protein (p.Pro201Leu). This variant is not present in population databases (gnomAD no frequency). This missense change has been observed in individual(s) with ZC4H2-related conditions (PMID: 36250278). In at least one individual the variant was observed to be de novo. An algorithm developed to predict the effect of missense changes on protein structure and function (PolyPhen-2) suggests that this variant is likely to be disruptive. This variant disrupts the p.Pro201 amino acid residue in ZC4H2. Other variant(s) that disrupt this residue have been observed in individuals with ZC4H2-related conditions (PMID: 23623388, 31206972, 36250278), which suggests that this may be a clinically significant amino acid residue. In summary, the currently available evidence indicates that the variant is pathogenic, but additional data are needed to prove that conclusively. Therefore, this variant has been classified as Likely Pathogenic.

Literature cited by the submitters: PubMed 36250278; PubMed 23623388; PubMed 31206972.